The following is an entry in ClinVar:

NM_000246.4(CIITA):c.682C>T (p.Gln228Ter)

Gene: CIITA (class II major histocompatibility complex transactivator; plus strand). Cytogenetic location: 16p13.13.
Variant type: single nucleotide variant.
Coding change: c.682C>T on transcript NM_000246.4 (MANE Select); coding-DNA position 682, C replaced by T.
Protein change: p.Gln228Ter; replaces glutamine 228 with a stop codon.
Molecular consequence: nonsense. On other transcripts: non-coding transcript variant (1).
Genome position (GRCh38, 1-based): chr16:10,902,711, C>T. VCF-style: chr16-10902711-C-T. GRCh37 (hg19) VCF-style: chr16-10996568-C-T.
Other names: c.685C>T, p.Gln229Ter (NM_001286402.1, NM_001379332.1); c.535C>T, p.Gln179Ter (NM_001286403.2, NM_001379331.1); c.538C>T, p.Gln180Ter (NM_001379330.1); c.682C>T, p.Gln228Ter (NM_001379333.1); c.613C>T, p.Gln205Ter (NM_001379334.1); c.682C>T (NM_000246.3); short protein forms Q179*, Q229*, Q180*, Q205*, Q228*.
Identifiers: ClinVar variation 1458155 (VCV001458155.7), dbSNP rs2144582937, ClinGen allele CA394728624.

ClinVar aggregate classification (germline): Pathogenic. Review status: criteria provided, multiple submitters, no conflicts (2 of 4 stars). 2 submissions from 2 submitters: Pathogenic (2). Last evaluated 2025-10-27.

Conditions:
MHC class II deficiency. Also called: BLS, TYPE II; Bare lymphocyte syndrome 2. Identifiers: Orphanet 572, MedGen C5447452, MONDO:0008855.

Submissions (2):

Natera, Inc.
Classification: Pathogenic for Bare lymphocyte syndrome type II. Last evaluated: 2025-10-27. Review status: criteria provided, single submitter. Criteria: Natera Variant Classification Schema (03/2026). Collection method: clinical testing. Allele origin: germline.
Comment: The c.682C>T variant in CIITA is a nonsense variant predicted to introduce a stop codon at amino acid 228. This variant is expected to result in nonsense mediated decay, truncation, or a dysfunctional protein product. This variant is rare in the general population with a frequency below the threshold expected for the associated phenotype(s). This variant has been observed in one or more individuals affected with the associated recessive disease, as either homozygous or compound heterozygous with a second variant (PMID: 26271388). Given the available evidence, this variant is classified as Pathogenic.

Labcorp Genetics (formerly Invitae), Labcorp
Classification: Pathogenic for MHC class II deficiency. Last evaluated: 2021-09-21. Review status: criteria provided, single submitter. Criteria: Invitae Variant Classification Sherloc (09022015). Collection method: clinical testing. Allele origin: germline.
Comment: For these reasons, this variant has been classified as Pathogenic. This premature translational stop signal has been observed in individual(s) with MHC class II deficiency (PMID: 26271388). This variant is not present in population databases (ExAC no frequency). This sequence change creates a premature translational stop signal (p.Gln228*) in the CIITA gene. It is expected to result in an absent or disrupted protein product. Loss-of-function variants in CIITA are known to be pathogenic (PMID: 8402893, 9099848, 26271388).

Literature cited by the submitters: PubMed 26271388 (cited by Natera, Inc. and Labcorp Genetics (formerly Invitae), Labcorp); PubMed 8402893 (cited by Labcorp Genetics (formerly Invitae), Labcorp); PubMed 9099848 (cited by Labcorp Genetics (formerly Invitae), Labcorp).